The following is an entry in ClinVar:

ClinVar aggregate classification (germline): Uncertain significance. Review status: criteria provided, multiple submitters, no conflicts (2 of 4 stars). 2 submissions from 2 submitters: Uncertain significance (2). Last evaluated 2025-11-27.

Conditions:
Inborn genetic diseases. Identifiers: MedGen C0950123, MeSH D030342.

Allele frequency attached by ClinVar (database versions not stated): ExAC 0.00002; TOPMed 0.00004; gnomAD 0.00005.
gnomAD v4.1: 11 of 1,611,308 alleles (0.00068%); highest among the groups gnomAD compares: African/African-American, 0.012%; no homozygotes.

Submissions (2):

Ambry Genetics
Classification: Uncertain significance for Inborn genetic diseases. Last evaluated: 2025-11-27. Review status: criteria provided, single submitter. Criteria: Ambry Variant Classification Scheme 2023. Collection method: clinical testing. Allele origin: germline.

Labcorp Genetics (formerly Invitae), Labcorp
Classification: Uncertain significance. Last evaluated: 2022-10-21. Review status: criteria provided, single submitter. Criteria: Invitae Variant Classification Sherloc (09022015). Collection method: clinical testing. Allele origin: germline.
Comment: This sequence change replaces glycine, which is neutral and non-polar, with tryptophan, which is neutral and slightly polar, at codon 27 of the ANKRD26 protein (p.Gly27Trp). This variant is present in population databases (rs749308690, gnomAD 0.02%). This variant has not been reported in the literature in individuals affected with ANKRD26-related conditions. Algorithms developed to predict the effect of missense changes on protein structure and function are either unavailable or do not agree on the potential impact of this missense change (SIFT: "Deleterious"; PolyPhen-2: "Probably Damaging"; Align-GVGD: "Class C0"). In summary, the available evidence is currently insufficient to determine the role of this variant in disease. Therefore, it has been classified as a Variant of Uncertain Significance.

NM_014915.3(ANKRD26):c.79G>T (p.Gly27Trp)

Genes: ANKRD26 (ankyrin repeat domain 26; minus strand), LOC130003554 (ATAC-STARR-seq lymphoblastoid silent region 2243; plus strand). Cytogenetic location: 10p12.1.
Variant type: single nucleotide variant.
Coding change: c.79G>T on transcript NM_014915.3 (MANE Select); coding-DNA position 79, G replaced by T.
Protein change: p.Gly27Trp; replaces glycine 27 with tryptophan.
Molecular consequence: missense variant.
Genome position (GRCh38, 1-based): chr10:27,100,248, C>A on the plus strand (G>T on the coding strand, the complement: ANKRD26 is on the minus strand). VCF-style: chr10-27100248-C-A. GRCh37 (hg19) VCF-style: chr10-27389177-C-A.
Other names: c.79G>T, p.Gly27Trp (NM_001256053.2); short protein forms G27W.
Identifiers: ClinVar variation 2173220 (VCV002173220.6), dbSNP rs749308690, ClinGen allele CA5449079.